The following is an entry in ClinVar:

NM_207122.2(EXT2):c.2155T>G (p.Ter719Gly)

Gene: EXT2 (exostosin glycosyltransferase 2; plus strand). Cytogenetic location: 11p11.2.
Variant type: single nucleotide variant.
Coding change: c.2155T>G on transcript NM_207122.2 (MANE Select); coding-DNA position 2155, T replaced by G.
Protein change: p.Ter719Gly.
Molecular consequence: stop lost.
Genome position (GRCh38, 1-based): chr11:44,244,285, T>G. VCF-style: chr11-44244285-T-G. GRCh37 (hg19) VCF-style: chr11-44265835-T-G.
Other names: *719G; *752G; *729G; c.2254T>G, p.Ter752Gly (NM_000401.3); c.2185T>G, p.Ter729Gly (NM_001178083.3); c.2155T>G, p.Ter719Gly (NM_001389628.1, NM_001389630.1).
Identifiers: ClinVar variation 377289 (VCV000377289.3), dbSNP rs1057520184, ClinGen allele CA16603327.
Genomic context (GRCh38, chr11:44,244,285, plus strand): 5'-GTCCTGTACAAAGATGACTTTCCTGAGAAGCTGAAGAGCTTCCCCAACATTGGCAGCTTA[T>G]GAAACGTGTCATTGGTGGAGGTCTGAATGTGAGGCTGGGACAGAGGGAGAGAACAAGGCC-3'

ClinVar aggregate classification (germline): Uncertain significance (1 of 4 stars; one submission).

Submission:

Center for Pediatric Genomic Medicine, Children's Mercy Hospital and Clinics
Classification: Uncertain significance. Last evaluated: 2017-02-10. Review status: criteria provided, single submitter. Criteria: ACMG Guidelines, 2015. Collection method: clinical testing. Allele origin: de novo.
ClinVar note: Converted during submission from Uncertain Significance to Uncertain significance.